The following is an entry in ClinVar:

ClinVar aggregate classification (germline): Uncertain significance (1 of 4 stars; one submission).

Allele frequency attached by ClinVar (database versions not stated): ExAC 0.00001; TOPMed 0.00001.

Submission:

Ambry Genetics
Classification: Uncertain significance. Last evaluated: 2021-09-18. Review status: criteria provided, single submitter. Criteria: Ambry Variant Classification Scheme 2023. Collection method: clinical testing. Allele origin: germline.
Comment: The p.E154G variant (also known as c.461A>G), located in coding exon 3 of the MNDA gene, results from an A to G substitution at nucleotide position 461. The glutamic acid at codon 154 is replaced by glycine, an amino acid with similar properties. This amino acid position is conserved. In addition, this alteration is predicted to be tolerated by in silico analysis. Since supporting evidence is limited at this time, the clinical significance of this alteration remains unclear.

NM_002432.3(MNDA):c.461A>G (p.Glu154Gly)

Gene: MNDA (myeloid cell nuclear differentiation antigen; plus strand). Cytogenetic location: 1q23.1.
Variant type: single nucleotide variant.
Coding change: c.461A>G on transcript NM_002432.3 (MANE Select); coding-DNA position 461, A replaced by G.
Protein change: p.Glu154Gly; replaces glutamic acid 154 with glycine.
Molecular consequence: missense variant.
Genome position (GRCh38, 1-based): chr1:158,844,013, A>G. VCF-style: chr1-158844013-A-G. GRCh37 (hg19) VCF-style: chr1-158813803-A-G.
Other names: short protein forms E154G.
Identifiers: ClinVar variation 1741935 (VCV001741935.2), dbSNP rs774281008, ClinGen allele CA1185602.
Genomic context (GRCh38, chr1:158,844,013, plus strand): 5'-AGAAAAGAAAAACTCCAAACAAAGAAAAGACTGAAGCCAAAAGGAATAAGGTGTCCCAAG[A>G]GCAGAGTAAGCCCCCAGGTCCCTCAGGAGCCAGCACATCTGCAGCTGTGGATCATCCCCC-3'
Protein context (NP_002423.1, residues 144-164): TEAKRNKVSQ[Glu154Gly]QSKPPGPSGA